The following is an entry in ClinVar:

NM_004612.4(TGFBR1):c.77C>T (p.Ala26Val)

Gene: TGFBR1 (transforming growth factor beta receptor 1; plus strand). Cytogenetic location: 9q22.33.
Variant type: single nucleotide variant.
Coding change: c.77C>T on transcript NM_004612.4 (MANE Select); coding-DNA position 77, C replaced by T.
Protein change: p.Ala26Val; replaces alanine 26 with valine.
Molecular consequence: missense variant. On other transcripts: 5 prime UTR variant (5), non-coding transcript variant (4), intron variant (8).
Genome position (GRCh38, 1-based): chr9:99,105,282, C>T. VCF-style: chr9-99105282-C-T. GRCh37 (hg19) VCF-style: chr9-101867564-C-T.
Other names: c.77C>T, p.Ala26Val (NM_001130916.3, NM_001306210.2, NM_001407416.1 and 5 more transcripts); c.-267C>T (NM_001407420.1, NM_001407429.1); c.-236C>T (NM_001407422.1, NM_001407426.1); c.-191C>T (NM_001407428.1); c.-111+1541C>T (NM_001407418.1, NM_001407423.1); c.-111+1176C>T (NM_001407424.1); c.-111+763C>T (NM_001407425.1); c.-111+556C>T (NM_001407434.1); and 2 more; short protein forms A26V.
Identifiers: ClinVar variation 3224341 (VCV003224341.2), dbSNP rs2490933489, ClinGen allele CA374223835.

ClinVar aggregate classification (germline): Uncertain significance. Review status: criteria provided, multiple submitters, no conflicts (2 of 4 stars). 2 submissions from 2 submitters: Uncertain significance (2). Last evaluated 2025-10-19.

Conditions:
Familial thoracic aortic aneurysm and aortic dissection (TAAD). Also called: Thoracic aortic aneurysms and dissections. Identifiers: Orphanet 91387, MedGen C4707243, MONDO:0019625.

gnomAD v4.1: 1 of 1,007,384 alleles (0.000099%); highest among the groups gnomAD compares: Non-Finnish European, 0.00012%; no homozygotes.

Submissions (2):

Labcorp Genetics (formerly Invitae), Labcorp
Classification: Uncertain significance for Familial thoracic aortic aneurysm and aortic dissection. Last evaluated: 2025-10-19. Review status: criteria provided, single submitter. Criteria: Invitae Variant Classification Sherloc (09022015). Collection method: clinical testing. Allele origin: germline.
Comment: This sequence change replaces alanine, which is neutral and non-polar, with valine, which is neutral and non-polar, at codon 26 of the TGFBR1 protein (p.Ala26Val). The frequency data for this variant in the population databases is considered unreliable, as metrics indicate insufficient coverage at this position in the gnomAD database. This variant has not been reported in the literature in individuals affected with TGFBR1-related conditions. ClinVar contains an entry for this variant (Variation ID: 3224341). Invitae Evidence Modeling of protein sequence and biophysical properties (such as structural, functional, and spatial information, amino acid conservation, physicochemical variation, residue mobility, and thermodynamic stability) indicates that this missense variant is not expected to disrupt TGFBR1 protein function with a negative predictive value of 95%. In summary, the available evidence is currently insufficient to determine the role of this variant in disease. Therefore, it has been classified as a Variant of Uncertain Significance.

Ambry Genetics
Classification: Uncertain significance for Familial thoracic aortic aneurysm and aortic dissection. Last evaluated: 2024-01-27. Review status: criteria provided, single submitter. Criteria: Ambry Variant Classification Scheme 2023. Collection method: clinical testing. Allele origin: germline.
Comment: The p.A26V variant (also known as c.77C>T), located in coding exon 1 of the TGFBR1 gene, results from a C to T substitution at nucleotide position 77. The alanine at codon 26 is replaced by valine, an amino acid with similar properties. This amino acid position is conserved. In addition, this alteration is predicted to be tolerated by in silico analysis. Based on the available evidence, the clinical significance of this alteration remains unclear.